The following is an entry in ClinVar:

NM_000238.4(KCNH2):c.2398+1G>C

Gene: KCNH2 (potassium voltage-gated channel subfamily H member 2; minus strand). Cytogenetic location: 7q36.1.
Variant type: single nucleotide variant.
Coding change: c.2398+1G>C on transcript NM_000238.4 (MANE Select); the canonical splice donor site of the intron after coding-DNA position 2398, G replaced by C.
Molecular consequence: splice donor variant. On other transcripts: missense variant (5).
Genome position (GRCh38, 1-based): chr7:150,950,167, C>G on the plus strand (G>C on the coding strand, the complement: KCNH2 is on the minus strand). VCF-style: chr7-150950167-C-G. GRCh37 (hg19) VCF-style: chr7-150647255-C-G.
Other names: IVS3DS, G-C, +1; c.1379G>C, p.Gly460Ala (NM_001204798.2); c.2222G>C, p.Gly741Ala (NM_001406755.1); c.2111G>C, p.Gly704Ala (NM_001406756.1); c.2099G>C, p.Gly700Ala (NM_001406757.1); c.2399G>C, p.Gly800Ala (NM_172056.3); c.2110+1G>C (NM_001406753.1); c.1378+1G>C (NM_172057.3); short protein forms G800A, G460A, G700A, G704A, G741A.
Identifiers: ClinVar variation 200444 (VCV000200444.5), dbSNP rs794728391, ClinGen allele CA006638.
Genomic context (GRCh38, chr7:150,950,167, plus strand): 5'-CTCGCACCTCTTGAGGCTGCAGAGGGCATTTCCAGTCCAGTGCCCGCCCCCCACCCCATA[C>G]CCAGGATGGCCACGACGACGTCGCCCCGCAGGATCTCGATGGAGCCCCGGGAGATGAAGT-3'

ClinVar aggregate classification (germline): Pathogenic. Review status: criteria provided, single submitter (1 of 4 stars). 2 submissions from 2 submitters: Pathogenic (1). 1 of the submissions does not count toward it. Last evaluated 2023-07-07.

Conditions:
Long QT syndrome 2 (LQT2). Identifiers: Orphanet 101016, Orphanet 768, MedGen C3150943, MONDO:0013367, OMIM 613688.

Submissions (2):

GeneDx
Classification: Pathogenic. Last evaluated: 2023-07-07. Review status: criteria provided, single submitter. Criteria: GeneDx Variant Classification Process June 2021. Collection method: clinical testing. Allele origin: germline. Affected: yes.
Comment: Identified in multiple unrelated patients with LQTS referred for genetic testing at GeneDx or in published literature (Curran et al., 1995; Splawkski et al., 2000; Tester et al., 2005); Not observed at significant frequency in large population cohorts (gnomAD); Canonical splice site variant predicted to result in an in-frame insertion of a critical region; Published functional studies demonstrate a damaging effect as this variant activates a cryptic splice site and generates a full-length hERG protein with an insertion of 18 amino acids in the middle of the cyclic nucleotide binding domain; the mutant channel displays a trafficking defect and causes dominant negative suppression of wild-type channel function by intracellular retention of heteromeric channels (Gong et al., 2008); This variant is associated with the following publications: (PMID: 10973849, 15840476, 18272172, 19862833, 7889573)

OMIM
Classification: Pathogenic for LONG QT SYNDROME 2. Last evaluated: 1995-03-10. Review status: no assertion criteria provided. Collection method: literature only. Allele origin: germline. Not counted in ClinVar's aggregate classification.

Literature cited by the submitters: PubMed 7889573 (cited by OMIM).